The following is an entry in ClinVar:

ClinVar aggregate classification (germline): Uncertain significance (1 of 4 stars; one submission).

Conditions:
Primary immunodeficiency with post-measles-mumps-rubella vaccine viral infection. Also called: Immunodeficiency 44. Identifiers: Orphanet 431166, MedGen C4225260, MONDO:0014715, OMIM 616636.

Allele frequency attached by ClinVar (database versions not stated): TOPMed below 0.00001; gnomAD 0.00001.
gnomAD v4.1: 2 of 1,613,832 alleles (0.00012%); highest among the groups gnomAD compares: Non-Finnish European, 0.00017%; no homozygotes.

Submission:

Labcorp Genetics (formerly Invitae), Labcorp
Classification: Uncertain significance for Primary immunodeficiency with post-measles-mumps-rubella vaccine viral infection. Last evaluated: 2022-11-14. Review status: criteria provided, single submitter. Criteria: Invitae Variant Classification Sherloc (09022015). Collection method: clinical testing. Allele origin: germline.
Comment: ClinVar contains an entry for this variant (Variation ID: 948723). Advanced modeling of protein sequence and biophysical properties (such as structural, functional, and spatial information, amino acid conservation, physicochemical variation, residue mobility, and thermodynamic stability) performed at Invitae indicates that this missense variant is expected to disrupt STAT2 protein function. In summary, the available evidence is currently insufficient to determine the role of this variant in disease. Therefore, it has been classified as a Variant of Uncertain Significance. This variant has not been reported in the literature in individuals affected with STAT2-related conditions. This sequence change replaces glutamine, which is neutral and polar, with lysine, which is basic and polar, at codon 42 of the STAT2 protein (p.Gln42Lys). This variant is not present in population databases (gnomAD no frequency).

NM_005419.4(STAT2):c.124C>A (p.Gln42Lys)

Gene: STAT2 (signal transducer and activator of transcription 2; minus strand). Cytogenetic location: 12q13.3.
Variant type: single nucleotide variant.
Coding change: c.124C>A on transcript NM_005419.4 (MANE Select); coding-DNA position 124, C replaced by A.
Protein change: p.Gln42Lys; replaces glutamine 42 with lysine.
Molecular consequence: missense variant.
Genome position (GRCh38, 1-based): chr12:56,356,448, G>T on the plus strand (C>A on the coding strand, the complement: STAT2 is on the minus strand). VCF-style: chr12-56356448-G-T. GRCh37 (hg19) VCF-style: chr12-56750232-G-T.
Other names: c.124C>A, p.Gln42Lys (NM_198332.2); short protein forms Q42K.
Identifiers: ClinVar variation 948723 (VCV000948723.8), dbSNP rs1258502384, ClinGen allele CA385264075.
Genomic context (GRCh38, chr12:56,356,448, plus strand): 5'-CCCAGAAGTAAGGAACCACCTTTTTCATTCCCCCAACTTCCTGAAGGCCTCACCAGTTCT[G>T]GTCTTCAATCCAGACAGCCAAGTACTGTCGAATGTCCACAGGCAGGAGGCTGTGCGAGTA-3'
Protein context (NP_005410.1, residues 32-52): RQYLAVWIED[Gln42Lys]NWQEAALGSD